The following is an entry in ClinVar:

NM_017654.4(SAMD9):c.3022A>G (p.Met1008Val)

Gene: SAMD9 (sterile alpha motif domain containing 9; minus strand). Cytogenetic location: 7q21.2.
Variant type: single nucleotide variant.
Coding change: c.3022A>G on transcript NM_017654.4 (MANE Select); coding-DNA position 3022, A replaced by G.
Protein change: p.Met1008Val; replaces methionine 1008 with valine.
Molecular consequence: missense variant.
Genome position (GRCh38, 1-based): chr7:93,103,076, T>C on the plus strand (A>G on the coding strand, the complement: SAMD9 is on the minus strand). VCF-style: chr7-93103076-T-C. GRCh37 (hg19) VCF-style: chr7-92732389-T-C.
Other names: c.3022A>G, p.Met1008Val (NM_001193307.2); short protein forms M1008V.
Identifiers: ClinVar variation 3792059 (VCV003792059.2).

ClinVar aggregate classification (germline): Uncertain significance. Review status: criteria provided, multiple submitters, no conflicts (2 of 4 stars). 2 submissions from 2 submitters: Uncertain significance (2). Last evaluated 2025-11-27.

Conditions:
Inborn genetic diseases. Identifiers: MedGen C0950123, MeSH D030342.

Submissions (2):

Labcorp Genetics (formerly Invitae), Labcorp
Classification: Uncertain significance. Last evaluated: 2025-11-27. Review status: criteria provided, single submitter. Criteria: Invitae Variant Classification Sherloc (09022015). Collection method: clinical testing. Allele origin: germline.
Comment: This sequence change replaces methionine, which is neutral and non-polar, with valine, which is neutral and non-polar, at codon 1008 of the SAMD9 protein (p.Met1008Val). This variant is present in population databases (rs780254598, gnomAD 0.007%). This variant has not been reported in the literature in individuals affected with SAMD9-related conditions. ClinVar contains an entry for this variant (Variation ID: 3792059). Invitae Evidence Modeling of protein sequence and biophysical properties (such as structural, functional, and spatial information, amino acid conservation, physicochemical variation, residue mobility, and thermodynamic stability) indicates that this missense variant is not expected to disrupt SAMD9 protein function with a negative predictive value of 95%. In summary, the available evidence is currently insufficient to determine the role of this variant in disease. Therefore, it has been classified as a Variant of Uncertain Significance.

Ambry Genetics
Classification: Uncertain significance for Inborn genetic diseases. Last evaluated: 2025-02-06. Review status: criteria provided, single submitter. Criteria: Ambry Variant Classification Scheme 2023. Collection method: clinical testing. Allele origin: germline.
Comment: The p.M1008V variant (also known as c.3022A>G), located in coding exon 1 of the SAMD9 gene, results from an A to G substitution at nucleotide position 3022. The methionine at codon 1008 is replaced by valine, an amino acid with highly similar properties. This amino acid position is conserved. In addition, this alteration is predicted to be tolerated by in silico analysis. Based on the available evidence, the clinical significance of this variant remains unclear.